The following is an entry in ClinVar:

ClinVar aggregate classification (germline): Uncertain significance (1 of 4 stars; one submission).

Allele frequency attached by ClinVar (database versions not stated): gnomAD 0.00002; TOPMed 0.00002; ESP Exome Variant Server 0.00008.

Submission:

Labcorp Genetics (formerly Invitae), Labcorp
Classification: Uncertain significance. Last evaluated: 2026-01-26. Review status: criteria provided, single submitter. Criteria: Invitae Variant Classification Sherloc (09022015). Collection method: clinical testing. Allele origin: germline.
Comment: This sequence change replaces arginine, which is basic and polar, with glutamine, which is neutral and polar, at codon 679 of the CRB2 protein (p.Arg679Gln). This variant is present in population databases (rs146442143, gnomAD 0.02%). This variant has not been reported in the literature in individuals affected with CRB2-related conditions. ClinVar contains an entry for this variant (Variation ID: 1925454). Invitae Evidence Modeling of protein sequence and biophysical properties (such as structural, functional, and spatial information, amino acid conservation, physicochemical variation, residue mobility, and thermodynamic stability) indicates that this missense variant is not expected to disrupt CRB2 protein function with a negative predictive value of 80%. Algorithms developed to predict the effect of sequence changes on RNA splicing suggest that this variant may disrupt the consensus splice site. In summary, the available evidence is currently insufficient to determine the role of this variant in disease. Therefore, it has been classified as a Variant of Uncertain Significance.

NM_173689.7(CRB2):c.2036G>A (p.Arg679Gln)

Gene: CRB2 (crumbs cell polarity complex component 2; plus strand). Cytogenetic location: 9q33.3.
Variant type: single nucleotide variant.
Coding change: c.2036G>A on transcript NM_173689.7 (MANE Select); coding-DNA position 2036, G replaced by A.
Protein change: p.Arg679Gln; replaces arginine 679 with glutamine.
Molecular consequence: missense variant. On other transcripts: non-coding transcript variant (1).
Genome position (GRCh38, 1-based): chr9:123,371,178, G>A. VCF-style: chr9-123371178-G-A. GRCh37 (hg19) VCF-style: chr9-126133457-G-A.
Other names: short protein forms R679Q.
Identifiers: ClinVar variation 1925454 (VCV001925454.3), dbSNP rs146442143, ClinGen allele CA5232119.